The following is an entry in ClinVar:

ClinVar aggregate classification (germline): Uncertain significance (1 of 4 stars; one submission).

Conditions:
Inborn genetic diseases. Identifiers: MedGen C0950123, MeSH D030342.

Submission:

Ambry Genetics
Classification: Uncertain significance for Inborn genetic diseases. Last evaluated: 2026-09-02. Review status: criteria provided, single submitter. Criteria: Ambry Variant Classification Scheme 2023. Collection method: clinical testing. Allele origin: germline.
Comment: The p.R554G variant (also known as c.1660A>G), located in coding exon 17 of the ANKRD26 gene, results from an A to G substitution at nucleotide position 1660. The arginine at codon 554 is replaced by glycine, an amino acid with dissimilar properties. This amino acid position is conserved. In addition, this alteration is predicted to be tolerated by in silico analysis. Based on the available evidence, the clinical significance of this variant remains unclear.

NM_014915.3(ANKRD26):c.1660A>G (p.Arg554Gly)

Gene: ANKRD26 (ankyrin repeat domain 26; minus strand). Cytogenetic location: 10p12.1.
Variant type: single nucleotide variant.
Coding change: c.1660A>G on transcript NM_014915.3 (MANE Select); coding-DNA position 1660, A replaced by G.
Protein change: p.Arg554Gly; replaces arginine 554 with glycine.
Molecular consequence: missense variant.
Genome position (GRCh38, 1-based): chr10:27,048,955, T>C on the plus strand (A>G on the coding strand, the complement: ANKRD26 is on the minus strand). VCF-style: chr10-27048955-T-C. GRCh37 (hg19) VCF-style: chr10-27337884-T-C.
Other names: c.1660A>G, p.Arg554Gly (NM_001256053.2); short protein forms R554G.
Identifiers: ClinVar variation 5023747 (VCV005023747.1).